The following is an entry in ClinVar:

ClinVar aggregate classification (germline): Uncertain significance (1 of 4 stars; one submission).

Conditions:
Hereditary cancer-predisposing syndrome. Also called: Hereditary Cancer Syndrome; Tumor predisposition; Hereditary neoplastic syndrome; Neoplastic Syndromes, Hereditary. Identifiers: Orphanet 140162, MedGen C0027672, MeSH D009386, MONDO:0015356.

gnomAD v4.1: 1 of 1,614,084 alleles (0.000062%); highest among the groups gnomAD compares: African/African-American, 0.0013%; no homozygotes.

Submission:

Ambry Genetics
Classification: Uncertain significance for Hereditary cancer-predisposing syndrome. Last evaluated: 2024-03-16. Review status: criteria provided, single submitter. Criteria: Ambry Variant Classification Scheme 2023. Collection method: clinical testing. Allele origin: germline.
Comment: The p.E39G variant (also known as c.116A>G), located in coding exon 1 of the CDKN1B gene, results from an A to G substitution at nucleotide position 116. The glutamic acid at codon 39 is replaced by glycine, an amino acid with similar properties. This amino acid position is conserved. In addition, the in silico prediction for this alteration is inconclusive. Based on the available evidence, the clinical significance of this alteration remains unclear.

NM_004064.5(CDKN1B):c.116A>G (p.Glu39Gly)

Gene: CDKN1B (cyclin dependent kinase inhibitor 1B; plus strand). Cytogenetic location: 12p13.1.
Variant type: single nucleotide variant.
Coding change: c.116A>G on transcript NM_004064.5 (MANE Select); coding-DNA position 116, A replaced by G.
Protein change: p.Glu39Gly; replaces glutamic acid 39 with glycine.
Molecular consequence: missense variant.
Genome position (GRCh38, 1-based): chr12:12,717,955, A>G. VCF-style: chr12-12717955-A-G. GRCh37 (hg19) VCF-style: chr12-12870889-A-G.
Other names: short protein forms E39G.
Identifiers: ClinVar variation 3265543 (VCV003265543.1).